The following is an entry in ClinVar:

ClinVar aggregate classification (germline): Uncertain significance. Review status: criteria provided, multiple submitters, no conflicts (2 of 4 stars). 2 submissions from 2 submitters: Uncertain significance (2). Last evaluated 2025-01-22.

Conditions:
Inborn genetic diseases. Identifiers: MedGen C0950123, MeSH D030342.
Spastic paraplegia. Identifiers: MedGen C0037772, HP:0001258.

Allele frequency attached by ClinVar (database versions not stated): gnomAD exomes 0.00001; TOPMed 0.00001; ExAC 0.00002.

Submissions (2):

Ambry Genetics
Classification: Uncertain significance for Inborn genetic diseases. Last evaluated: 2025-01-22. Review status: criteria provided, single submitter. Criteria: Ambry Variant Classification Scheme 2023. Collection method: clinical testing. Allele origin: germline.

Labcorp Genetics (formerly Invitae), Labcorp
Classification: Uncertain significance for Spastic paraplegia. Last evaluated: 2021-12-02. Review status: criteria provided, single submitter. Criteria: Invitae Variant Classification Sherloc (09022015). Collection method: clinical testing. Allele origin: germline.
Comment: This sequence change replaces arginine, which is basic and polar, with glutamine, which is neutral and polar, at codon 304 of the AP4E1 protein (p.Arg304Gln). This variant is present in population databases (rs768086723, gnomAD 0.006%). This variant has not been reported in the literature in individuals affected with AP4E1-related conditions. Algorithms developed to predict the effect of missense changes on protein structure and function are either unavailable or do not agree on the potential impact of this missense change (SIFT: "Tolerated"; PolyPhen-2: "Possibly Damaging"; Align-GVGD: "Class C0"). In summary, the available evidence is currently insufficient to determine the role of this variant in disease. Therefore, it has been classified as a Variant of Uncertain Significance.

NM_007347.5(AP4E1):c.911G>A (p.Arg304Gln)

Gene: AP4E1 (adaptor related protein complex 4 subunit epsilon 1; plus strand). Cytogenetic location: 15q21.2.
Variant type: single nucleotide variant.
Coding change: c.911G>A on transcript NM_007347.5 (MANE Select); coding-DNA position 911, G replaced by A.
Protein change: p.Arg304Gln; replaces arginine 304 with glutamine.
Molecular consequence: missense variant.
Genome position (GRCh38, 1-based): chr15:50,934,665, G>A. VCF-style: chr15-50934665-G-A. GRCh37 (hg19) VCF-style: chr15-51226862-G-A.
Other names: c.911G>A (NM_007347.3); c.686G>A, p.Arg229Gln (NM_001252127.2); short protein forms R229Q, R304Q.
Identifiers: ClinVar variation 1346094 (VCV001346094.7), dbSNP rs768086723, ClinGen allele CA7558918.
Genomic context (GRCh38, chr15:50,934,665, plus strand): 5'-TAAAATATCTTTTAAACAGGACAAGTGAATTAATGTATGATGTTCTTGATGAATCCTTAC[G>A]AAGAGCTGAGTTAAATCACAATGTCACATATGGTAGGTAATATATGTAAATATTACTCTA-3'
Protein context (NP_031373.2, residues 294-314): LMYDVLDESL[Arg304Gln]RAELNHNVTY